The following is an entry in ClinVar:

ClinVar aggregate classification (germline): Uncertain significance (1 of 4 stars; one submission).

Conditions:
BBS4-related disorder. Also called: BBS4-related condition.

Submission:

PreventionGenetics, part of Exact Sciences
Classification: Uncertain significance for BBS4-related condition. Last evaluated: 2026-09-01. Review status: criteria provided, single submitter. Criteria: ACMG Guidelines, 2015. Collection method: clinical testing. Allele origin: germline.
Comment: The BBS4 c.139G>C variant is predicted to result in the amino acid substitution p.Asp47His. To our knowledge, this variant has not been reported in the literature. This variant is reported in 0.0029% of alleles in individuals of Latino descent in gnomAD. At this time, the clinical significance of this variant is uncertain due to the absence of conclusive functional and genetic evidence.

NM_033028.5(BBS4):c.139G>C (p.Asp47His)

Gene: BBS4 (Bardet-Biedl syndrome 4; plus strand). Cytogenetic location: 15q24.1.
Variant type: single nucleotide variant.
Coding change: c.139G>C on transcript NM_033028.5 (MANE Select); coding-DNA position 139, G replaced by C.
Protein change: p.Asp47His; replaces aspartic acid 47 with histidine.
Molecular consequence: missense variant. On other transcripts: 5 prime UTR variant (1), non-coding transcript variant (2).
Genome position (GRCh38, 1-based): chr15:72,709,762, G>C. VCF-style: chr15-72709762-G-C. GRCh37 (hg19) VCF-style: chr15-73002103-G-C.
Other names: c.-383G>C (NM_001252678.2); c.139G>C, p.Asp47His (NM_001320665.2); short protein forms D47H.
Identifiers: ClinVar variation 4980667 (VCV004980667.1).
Genomic context (GRCh38, chr15:72,709,762, plus strand): 5'-CCAGAGTTTCCTATTTTGGAGAAGCAGAACTGGTTGATTCATCTTCATTATATCCGGAAA[G>C]ATTATGAAGCCTGCAAGGTAAGAGATTGCCATAATAATAAAAATGAGAGGCAGGATGTTG-3'
Protein context (NP_149017.2, residues 37-57): WLIHLHYIRK[Asp47His]YEACKAVIKE